The following is an entry in ClinVar:

NM_001018100.5(MYZAP):c.327C>T (p.Ala109=)

Genes: GCOM1 (GCOM1, MYZAP-POLR2M combined locus; plus strand), MYZAP (myocardial zonula adherens protein; plus strand). Cytogenetic location: 15q21.3.
Variant type: single nucleotide variant.
Coding change: c.327C>T on transcript NM_001018100.5 (MANE Select); coding-DNA position 327, C replaced by T.
Protein change: p.Ala109=; no amino-acid change (alanine 109 retained).
Molecular consequence: synonymous variant. On other transcripts: non-coding transcript variant (5).
Genome position (GRCh38, 1-based): chr15:57,621,616, C>T. VCF-style: chr15-57621616-C-T. GRCh37 (hg19) VCF-style: chr15-57913814-C-T.
Other names: c.327C>T, p.Ala109= (NM_152451.8, NM_001018090.6, NM_001018091.6 and 1 more transcripts).
Identifiers: ClinVar variation 5041389 (VCV005041389.1).

ClinVar aggregate classification (germline): Likely benign (1 of 4 stars; one submission).

gnomAD v4.1: 3 of 1,613,342 alleles (0.00019%); highest among the groups gnomAD compares: Non-Finnish European, 0.00025%; no homozygotes.

Submission:

CeGaT Center for Human Genetics Tuebingen
Classification: Likely benign. Last evaluated: 2026-09-01. Review status: criteria provided, single submitter. Criteria: CeGaT Center For Human Genetics Tuebingen Variant Classification Criteria Version 2. Collection method: clinical testing. Allele origin: germline. Affected: yes. Observed: 1 variant allele.
Comment: MYZAP: BP4, BP7